The following is an entry in ClinVar:

NM_182760.4(SUMF1):c.223delinsGTCTCTTATACACAT (p.Asn75fs)

Genes: SUMF1 (sulfatase modifying factor 1; minus strand), LOC129936056 (ATAC-STARR-seq lymphoblastoid silent region 14016; plus strand). Cytogenetic location: 3p26.1.
Variant type: Indel.
Coding change: c.223delinsGTCTCTTATACACAT on transcript NM_182760.4 (MANE Select); coding-DNA position 223, A replaced by GTCTCTTATACACAT.
Protein change: p.Asn75fs; shifts the reading frame from asparagine 75.
Molecular consequence: frameshift variant.
Genome position (GRCh38, 1-based): chr3:4,467,023, T replaced by ATGTGTATAAGAGAC on the plus strand (A replaced by GTCTCTTATACACAT on the coding strand, the reverse complement: SUMF1 is on the minus strand). VCF-style: chr3-4467023-T-ATGTGTATAAGAGAC. GRCh37 (hg19) VCF-style: chr3-4508707-T-ATGTGTATAAGAGAC.
Other names: c.223delinsGTCTCTTATACACAT, p.Asn75fs (NM_001164674.2, NM_001164675.2); short protein forms N75fs.
Identifiers: ClinVar variation 5011068 (VCV005011068.1).

ClinVar aggregate classification (germline): Pathogenic (1 of 4 stars; one submission).

Conditions:
Multiple sulfatase deficiency (MSD). Also called: Mucosulfatidosis; Multiple Sulfatase Deficiency Disease; Sulfatidosis, Juvenile, Austin Type. Identifiers: Orphanet 585, MedGen C0268263, MONDO:0010088, OMIM 272200.

Submission:

Myriad Genetics, Inc.
Classification: Pathogenic for Multiple sulfatase deficiency. Last evaluated: 2024-05-14. Review status: criteria provided, single submitter. Criteria: Myriad Autosomal Dominant, Autosomal Recessive and X-Linked Classification Criteria (2023). Collection method: clinical testing. Allele origin: unknown.
Comment: NM_182760.3(SUMF1):c.223del1ins15(N75Vfs*39) is expected to be pathogenic in the context of multiple sulfatase deficiency. This variant is predicted to lead to an abnormal or absent protein product due to the creation of a premature termination codon in SUMF1, a gene where loss-of-function variants are known to be pathogenic. Please note: this variant was assessed in the context of healthy population screening.